The following is an entry in ClinVar:

NM_080680.3(COL11A2):c.2902G>A (p.Asp968Asn)

Gene: COL11A2 (collagen type XI alpha 2 chain; minus strand). Cytogenetic location: 6p21.32.
Variant type: single nucleotide variant.
Coding change: c.2902G>A on transcript NM_080680.3 (MANE Select); coding-DNA position 2902, G replaced by A.
Protein change: p.Asp968Asn; replaces aspartic acid 968 with asparagine.
Molecular consequence: missense variant.
Genome position (GRCh38, 1-based): chr6:33,172,375, C>T on the plus strand (G>A on the coding strand, the complement: COL11A2 is on the minus strand). VCF-style: chr6-33172375-C-T. GRCh37 (hg19) VCF-style: chr6-33140152-C-T.
Other names: c.2722G>A, p.Asp908Asn (NM_001424108.1); c.2056G>A, p.Asp686Asn (NM_001424109.1); c.1876G>A, p.Asp626Asn (NM_001424110.1, NM_001424111.1); c.856G>A, p.Asp286Asn (NM_001424112.1); c.2581G>A, p.Asp861Asn (NM_080679.3); c.2644G>A, p.Asp882Asn (NM_080681.3); short protein forms D861N, D882N, D286N, D908N, D626N, D686N, D968N.
Identifiers: ClinVar variation 3021355 (VCV003021355.3), dbSNP rs1239358102, ClinGen allele CA363637219.

ClinVar aggregate classification (germline): Uncertain significance (1 of 4 stars; one submission).

Submission:

Labcorp Genetics (formerly Invitae), Labcorp
Classification: Uncertain significance. Last evaluated: 2023-09-03. Review status: criteria provided, single submitter. Criteria: Invitae Variant Classification Sherloc (09022015). Collection method: clinical testing. Allele origin: germline.
Comment: In summary, the available evidence is currently insufficient to determine the role of this variant in disease. Therefore, it has been classified as a Variant of Uncertain Significance. Advanced modeling of protein sequence and biophysical properties (such as structural, functional, and spatial information, amino acid conservation, physicochemical variation, residue mobility, and thermodynamic stability) performed at Invitae indicates that this missense variant is not expected to disrupt COL11A2 protein function. This variant has not been reported in the literature in individuals affected with COL11A2-related conditions. The frequency data for this variant in the population databases is considered unreliable, as metrics indicate poor data quality at this position in the gnomAD database. This sequence change replaces aspartic acid, which is acidic and polar, with asparagine, which is neutral and polar, at codon 968 of the COL11A2 protein (p.Asp968Asn).